The following is an entry in ClinVar:

NM_018036.7(ATG2B):c.653A>G (p.His218Arg)

Gene: ATG2B (autophagy related 2B; minus strand). Cytogenetic location: 14q32.2.
Variant type: single nucleotide variant.
Coding change: c.653A>G on transcript NM_018036.7 (MANE Select); coding-DNA position 653, A replaced by G.
Protein change: p.His218Arg; replaces histidine 218 with arginine.
Molecular consequence: missense variant.
Genome position (GRCh38, 1-based): chr14:96,343,210, T>C on the plus strand (A>G on the coding strand, the complement: ATG2B is on the minus strand). VCF-style: chr14-96343210-T-C. GRCh37 (hg19) VCF-style: chr14-96809547-T-C.
Other names: short protein forms H218R.
Identifiers: ClinVar variation 1337056 (VCV001337056.6), dbSNP rs199569218, ClinGen allele CA7336972.

ClinVar aggregate classification (germline): Uncertain significance. Review status: criteria provided, single submitter (1 of 4 stars). 2 submissions from 2 submitters: Uncertain significance (1). 1 of the submissions does not count toward it. Last evaluated 2021-08-19.

Conditions:
ATG2B-related disorder. Also called: ATG2B-related condition.

Allele frequency attached by ClinVar (database versions not stated): ESP Exome Variant Server 0.00008; gnomAD exomes 0.00011 and 0.00032; ExAC 0.00030; 1000 Genomes Project 0.00140; 1000 Genomes Project 30x 0.00141; gnomAD 0.00146 and 0.00155; TOPMed 0.00157.

Submissions (2):

Genetic Services Laboratory, University of Chicago
Classification: Uncertain significance. Last evaluated: 2021-08-19. Review status: criteria provided, single submitter. Criteria: ACMG Guidelines, 2015. Collection method: clinical testing. Allele origin: germline. Affected: no.
Comment: This sequence change does not appear to has been previously described in patients with ATG2B-related disorders and has been described in the gnomAD database with a frequency of 0.38% in the African subpopulation (dbSNP rs199569218). The p.His218Arg change affects a moderately conserved amino acid residue located in a domain of the ATG2B protein that is not known to be functional. In-silico pathogenicity prediction tools (SIFT, PolyPhen2, Align GVGD, REVEL) provide contradictory results for the p.His218Arg substitution. Due to these contrasting evidences and the lack of functional studies, the clinical significance of the p.His218Arg change remains unknown at this time.

PreventionGenetics, part of Exact Sciences
Classification: Likely benign for ATG2B-related condition. Last evaluated: 2022-02-21. Review status: no assertion criteria provided. Collection method: clinical testing. Allele origin: germline. Not counted in ClinVar's aggregate classification.
Comment: This variant is classified as likely benign based on ACMG/AMP sequence variant interpretation guidelines (Richards et al. 2015 PMID: 25741868, with internal and published modifications).